The following is an entry in ClinVar:

ClinVar aggregate classification (germline): Uncertain significance (1 of 4 stars; one submission).

Conditions:
Combined immunodeficiency due to MALT1 deficiency. Also called: Immunodeficiency 12. Identifiers: Orphanet 397964, MedGen C3809583, MONDO:0014197, OMIM 615468.

Allele frequency attached by ClinVar (database versions not stated): gnomAD exomes below 0.00001.
gnomAD v4.1: 2 of 1,614,134 alleles (0.00012%); highest among the groups gnomAD compares: Admixed American, 0.0017%; no homozygotes.

Submission:

Labcorp Genetics (formerly Invitae), Labcorp
Classification: Uncertain significance for Combined immunodeficiency due to MALT1 deficiency. Last evaluated: 2022-08-16. Review status: criteria provided, single submitter. Criteria: Invitae Variant Classification Sherloc (09022015). Collection method: clinical testing. Allele origin: germline.
Comment: This sequence change replaces histidine, which is basic and polar, with leucine, which is neutral and non-polar, at codon 797 of the MALT1 protein (p.His797Leu). This variant is not present in population databases (gnomAD no frequency). This variant has not been reported in the literature in individuals affected with MALT1-related conditions. ClinVar contains an entry for this variant (Variation ID: 1419047). Algorithms developed to predict the effect of missense changes on protein structure and function (SIFT, PolyPhen-2, Align-GVGD) all suggest that this variant is likely to be tolerated. In summary, the available evidence is currently insufficient to determine the role of this variant in disease. Therefore, it has been classified as a Variant of Uncertain Significance.

NM_006785.4(MALT1):c.2390A>T (p.His797Leu)

Gene: MALT1 (MALT1 paracaspase; plus strand). Cytogenetic location: 18q21.32.
Variant type: single nucleotide variant.
Coding change: c.2390A>T on transcript NM_006785.4 (MANE Select); coding-DNA position 2390, A replaced by T.
Protein change: p.His797Leu; replaces histidine 797 with leucine.
Molecular consequence: missense variant.
Genome position (GRCh38, 1-based): chr18:58,747,757, A>T. VCF-style: chr18-58747757-A-T. GRCh37 (hg19) VCF-style: chr18-56414989-A-T.
Other names: c.2357A>T, p.His786Leu (NM_173844.3); short protein forms H786L, H797L.
Identifiers: ClinVar variation 1419047 (VCV001419047.5), dbSNP rs2055390134, ClinGen allele CA402577536.